The following is an entry in ClinVar:

NM_000435.3(NOTCH3):c.451C>G (p.Gln151Glu)

Gene: NOTCH3 (notch receptor 3; minus strand). Cytogenetic location: 19p13.12.
Variant type: single nucleotide variant.
Coding change: c.451C>G on transcript NM_000435.3 (MANE Select); coding-DNA position 451, C replaced by G.
Protein change: p.Gln151Glu; replaces glutamine 151 with glutamic acid.
Molecular consequence: missense variant.
Genome position (GRCh38, 1-based): chr19:15,192,188, G>C on the plus strand (C>G on the coding strand, the complement: NOTCH3 is on the minus strand). VCF-style: chr19-15192188-G-C. GRCh37 (hg19) VCF-style: chr19-15302999-G-C.
Other names: p.Gln151Glu; short protein forms Q151E.
Identifiers: ClinVar variation 101050 (VCV000101050.54), dbSNP rs371491165, ClinGen allele CA345458.

ClinVar aggregate classification (germline): Uncertain significance. Review status: criteria provided, multiple submitters, no conflicts (2 of 4 stars). 9 submissions from 9 submitters: Uncertain significance (7). 2 of the submissions do not count toward it. Last evaluated 2026-09-09.

Conditions:
Cerebral arteriopathy with subcortical infarcts and leukoencephalopathy. Also called: Cerebral autosomal dominant arteriopathy with subcortical infarcts and leukoencephalopathy. Identifiers: MedGen C0751587, MONDO:0007432.
Cerebral arteriopathy, autosomal dominant, with subcortical infarcts and leukoencephalopathy, type 1 (CADASIL1). Also called: CADASIL 1; CASIL; Cerebral arteriopathy with subcortical infarcts and leukoencephalopathy 1; DEMENTIA, HEREDITARY MULTIINFARCT TYPE. Identifiers: Orphanet 136, MedGen C4551768, MONDO:0000914, OMIM 125310.
Lateral meningocele syndrome (LMNS). Also called: NOTCH3-Related Lateral Meningocele Syndrome. Identifiers: Orphanet 2789, MedGen C1851710, MONDO:0007537, OMIM 130720.
Myofibromatosis, infantile, 2. Identifiers: Orphanet 2591, MedGen C3809084, MONDO:0014122, OMIM 615293.

Allele frequency attached by ClinVar (database versions not stated): gnomAD exomes 0.00003 and 0.00005; TOPMed 0.00004; ExAC 0.00006; ESP Exome Variant Server 0.00008.
gnomAD v4.1: 38 of 1,612,416 alleles (0.0024%); highest among the groups gnomAD compares: Middle Eastern, 0.017%; no homozygotes.

Submissions (9):

Athena Diagnostics
Classification: Uncertain significance. Last evaluated: 2026-09-09. Review status: criteria provided, single submitter. Criteria: Athena Diagnostics Criteria. Collection method: clinical testing. Allele origin: unknown.
Comment: Available data are insufficient to determine the clinical significance of the variant at this time. The frequency of this variant in the general population is uninformative in assessment of its pathogenicity. This variant is statistically more frequent in affected individuals than in the general population and/or healthy controls. (PMID 19006080, 19056668, 19542611, 36401683, 37970308, 42366248)

Mayo Clinic Laboratories, Mayo Clinic
Classification: Uncertain significance. Last evaluated: 2025-11-02. Review status: criteria provided, single submitter. Criteria: ACMG Guidelines, 2015. Collection method: clinical testing. Allele origin: germline. Observed: 1 variant allele.

Labcorp Genetics (formerly Invitae), Labcorp
Classification: Uncertain significance. Last evaluated: 2024-08-22. Review status: criteria provided, single submitter. Criteria: Invitae Variant Classification Sherloc (09022015). Collection method: clinical testing. Allele origin: germline.
Comment: This sequence change replaces glutamine, which is neutral and polar, with glutamic acid, which is acidic and polar, at codon 151 of the NOTCH3 protein (p.Gln151Glu). This variant is present in population databases (rs371491165, gnomAD 0.01%). This missense change has been observed in individuals with cerebral arteriopathy with subcortical infarcts and leukoencephalopathy (CADASIL) (PMID: 19006080, 19542611, 36401683). This variant is also known as c.529C>G. ClinVar contains an entry for this variant (Variation ID: 101050). Invitae Evidence Modeling of protein sequence and biophysical properties (such as structural, functional, and spatial information, amino acid conservation, physicochemical variation, residue mobility, and thermodynamic stability) indicates that this missense variant is not expected to disrupt NOTCH3 protein function with a negative predictive value of 95%. In summary, the available evidence is currently insufficient to determine the role of this variant in disease. Therefore, it has been classified as a Variant of Uncertain Significance.

Revvity Omics, Revvity
Classification: Uncertain significance. Last evaluated: 2021-01-22. Review status: criteria provided, single submitter. Criteria: ACMG Guidelines, 2015. Collection method: clinical testing. Allele origin: germline.

Fulgent Genetics
Classification: Uncertain significance for Cerebral arteriopathy, autosomal dominant, with subcortical infarcts and leukoencephalopathy, type 1; Lateral meningocele syndrome; Myofibromatosis, infantile, 2. Last evaluated: 2018-10-31. Review status: criteria provided, single submitter. Criteria: ACMG Guidelines, 2015. Collection method: clinical testing. Allele origin: unknown.

CeGaT Center for Human Genetics Tuebingen
Classification: Uncertain significance. Last evaluated: 2016-07-01. Review status: criteria provided, single submitter. Criteria: CeGaT Center For Human Genetics Tuebingen Variant Classification Criteria Version 2. Collection method: clinical testing. Allele origin: germline. Affected: yes. Observed: 1 variant allele.

GeneDx
Classification: Uncertain significance. Last evaluated: 2016-07-01. Review status: criteria provided, single submitter. Criteria: GeneDx Variant Classification (06012015). Collection method: clinical testing. Allele origin: germline. Affected: yes.
Comment: The Q151E variant in the NOTCH3 gene has been reported previously in the heterozygous state in an individual with CADASIL, however familial segregation information was not included. (Ampuero et al., 2009). The Q151E variant was not observed with any significant frequency in approximately 6500 individuals of European and African American ancestry in the NHLBI Exome Sequencing Project, indicating it is not a common benign variant in these populations. The Q151E variant is a semi-conservative amino acid substitution, which occurs at a position that is well-conserved across species, however, in silico analysis is inconsistent in its predictions as to whether or not the variant is damaging to the protein structure/function. Based on review of the data in the context of the 2015 ACMG standards and guidelines for the interpretation of sequence variants (Richards et al., 2015), we now interpret Q151E as a variant of uncertain significance.

Molecular Genetics Laboratory, BC Children's and BC Women's Hospitals
Classification: Uncertain significance for Cerebral arteriopathy with subcortical infarcts and leukoencephalopathy. Last evaluated: 2024-01-17. Review status: no assertion criteria provided. Criteria: ACMG Guidelines, 2015. Collection method: clinical testing. Allele origin: germline. Affected: yes. Not counted in ClinVar's aggregate classification.

ClinVar Staff, National Center for Biotechnology Information (NCBI)
Classification: Pathogenic for Cerebral autosomal dominant arteriopathy with subcortical infarcts and leukoencephalopathy. Last evaluated: 2009-06-19. Review status: no assertion criteria provided. Collection method: literature only. Allele origin: germline. Affected: yes. Not counted in ClinVar's aggregate classification.
Comment: PMID:19542611 shows that this variant was identified in one patient with CADISIL. The affected amino acid is near cysteine residues in EGF repeats which may be important for protein conformation.

Literature cited by the submitters: PubMed 19006080 (cited by 3 submitters); PubMed 19056668 (cited by Athena Diagnostics); PubMed 19542611 (cited by 4 submitters); PubMed 36401683 (cited by 3 submitters); PubMed 37970308 (cited by Athena Diagnostics); PubMed 42366248 (cited by Athena Diagnostics); DOI 10.5455/annalsmedres.2020.08.886 (cited by Athena Diagnostics); PubMed 30476936 (cited by Mayo Clinic Laboratories, Mayo Clinic).